The following is an entry in ClinVar:

NM_022455.5(NSD1):c.5816G>T (p.Arg1939Leu)

Gene: NSD1 (nuclear receptor binding SET domain protein 1; plus strand). Cytogenetic location: 5q35.3.
Variant type: single nucleotide variant.
Coding change: c.5816G>T on transcript NM_022455.5 (MANE Select); coding-DNA position 5816, G replaced by T.
Protein change: p.Arg1939Leu; replaces arginine 1939 with leucine.
Molecular consequence: missense variant.
Genome position (GRCh38, 1-based): chr5:177,280,758, G>T. VCF-style: chr5-177280758-G-T. GRCh37 (hg19) VCF-style: chr5-176707759-G-T.
Other names: c.4943G>T, p.Arg1648Leu (NM_001365684.2, NM_001409308.1, NM_001409309.1 and 1 more transcripts); c.5816G>T, p.Arg1939Leu (NM_001409301.1, NM_001409302.1, NM_001409303.1); c.5396G>T, p.Arg1799Leu (NM_001409304.1); c.5063G>T, p.Arg1688Leu (NM_001409305.1); c.5054G>T, p.Arg1685Leu (NM_001409306.1, NM_001409307.1); short protein forms R1648L, R1685L, R1688L, R1799L, R1939L.
Identifiers: ClinVar variation 2663740 (VCV002663740.1), dbSNP rs2127257452, ClinGen allele CA362313494.
Genomic context (GRCh38, chr5:177,280,758, plus strand): 5'-AGTGCCACCCCACAGTGTGTCCTGCCGGAGGGCGCTGTCAAAACCAGTGCTTTTCCAAGC[G>T]CCAATATCCAGAGGTTGAAATTTTCCGCACATTACAGCGGGGTTGGGGTCTACGGACAAA-3'
Protein context (NP_071900.2, residues 1929-1949): GRCQNQCFSK[Arg1939Leu]QYPEVEIFRT

ClinVar aggregate classification (germline): Uncertain significance (1 of 4 stars; one submission).

Allele frequency attached by ClinVar (database versions not stated): gnomAD exomes below 0.00001.
gnomAD v4.1: 2 of 1,614,210 alleles (0.00012%); highest among the groups gnomAD compares: Non-Finnish European, 0.00017%; no homozygotes.

Submission:

GeneDx
Classification: Uncertain significance. Last evaluated: 2023-04-21. Review status: criteria provided, single submitter. Criteria: GeneDx Variant Classification Process June 2021. Collection method: clinical testing. Allele origin: germline. Affected: yes.
Comment: Not observed at significant frequency in large population cohorts (gnomAD); In silico analysis supports that this missense variant has a deleterious effect on protein structure/function; Has not been previously published as pathogenic or benign to our knowledge